The following is an entry in ClinVar:

NM_000742.4(CHRNA2):c.945T>C (p.Thr315=)

Gene: CHRNA2 (cholinergic receptor nicotinic alpha 2 subunit; minus strand). Cytogenetic location: 8p21.2.
Variant type: single nucleotide variant.
Coding change: c.945T>C on transcript NM_000742.4 (MANE Select); coding-DNA position 945, T replaced by C.
Protein change: p.Thr315=; no amino-acid change (threonine 315 retained).
Molecular consequence: synonymous variant.
Genome position (GRCh38, 1-based): chr8:27,463,498, A>G on the plus strand (T>C on the coding strand, the complement: CHRNA2 is on the minus strand). VCF-style: chr8-27463498-A-G. GRCh37 (hg19) VCF-style: chr8-27321015-A-G.
Other names: p.T315T:ACT>ACC; c.900T>C, p.Thr300= (NM_001282455.2); c.468T>C, p.Thr156= (NM_001347705.2, NM_001347706.2); c.351T>C, p.Thr117= (NM_001347707.2, NM_001347708.2).
Identifiers: ClinVar variation 136752 (VCV000136752.1), dbSNP rs587780891, ClinGen allele CA290079.

ClinVar aggregate classification (germline): Benign (1 of 4 stars; one submission).

Submission:

GeneDx
Classification: Benign. Last evaluated: 2013-03-15. Review status: criteria provided, single submitter. Criteria: GeneDx Variant Classification (06012015). Collection method: clinical testing. Allele origin: germline. Affected: yes.
Comment: This variant is considered likely benign or benign based on one or more of the following criteria: it is a conservative change, it occurs at a poorly conserved position in the protein, it is predicted to be benign by multiple in silico algorithms, and/or has population frequency not consistent with disease.